The following is an entry in ClinVar:

ClinVar aggregate classification (germline): Uncertain significance. Review status: criteria provided, multiple submitters, no conflicts (2 of 4 stars). 3 submissions from 3 submitters: Uncertain significance (3). Last evaluated 2025-10-23.

Conditions:
FN1-related disorder. Also called: FN1-related condition.

Allele frequency attached by ClinVar (database versions not stated): gnomAD exomes 0.00012 and 0.00028; ExAC 0.00014; TOPMed 0.00017; gnomAD 0.00021; ESP Exome Variant Server 0.00038.
gnomAD v4.1: 449 of 1,613,822 alleles (0.028%); highest among the groups gnomAD compares: Non-Finnish European, 0.035%; 1 homozygote.

Submissions (3):

Labcorp Genetics (formerly Invitae), Labcorp
Classification: Uncertain significance. Last evaluated: 2025-10-23. Review status: criteria provided, single submitter. Criteria: Invitae Variant Classification Sherloc (09022015). Collection method: clinical testing. Allele origin: germline.
Comment: This sequence change replaces arginine, which is basic and polar, with glutamine, which is neutral and polar, at codon 1021 of the FN1 protein (p.Arg1021Gln). This variant is present in population databases (rs139603893, gnomAD 0.02%), and has an allele count higher than expected for a pathogenic variant. This variant has not been reported in the literature in individuals affected with FN1-related conditions. ClinVar contains an entry for this variant (Variation ID: 1008946). An algorithm developed to predict the effect of missense changes on protein structure and function (PolyPhen-2) suggests that this variant is likely to be disruptive. In summary, the available evidence is currently insufficient to determine the role of this variant in disease. Therefore, it has been classified as a Variant of Uncertain Significance.

Mayo Clinic Laboratories, Mayo Clinic
Classification: Uncertain significance. Last evaluated: 2024-12-18. Review status: criteria provided, single submitter. Criteria: ACMG Guidelines, 2015. Collection method: clinical testing. Allele origin: germline. Observed: 1 variant allele.
Comment: BP4

PreventionGenetics, part of Exact Sciences
Classification: Uncertain significance for FN1-related condition. Last evaluated: 2023-09-02. Review status: criteria provided, single submitter. Criteria: ACMG Guidelines, 2015. Collection method: clinical testing. Allele origin: germline.
Comment: The FN1 c.3062G>A variant is predicted to result in the amino acid substitution p.Arg1021Gln. To our knowledge, this variant has not been reported in the literature. This variant is reported in 0.025% of alleles in individuals of European (Non-Finnish) descent in gnomAD. Although we suspect that this variant may be benign, at this time, the clinical significance of this variant is uncertain due to the absence of conclusive functional and genetic evidence.

NM_212482.4(FN1):c.3062G>A (p.Arg1021Gln)

Gene: FN1 (fibronectin 1; minus strand). Cytogenetic location: 2q35.
Variant type: single nucleotide variant.
Coding change: c.3062G>A on transcript NM_212482.4 (MANE Select); coding-DNA position 3062, G replaced by A.
Protein change: p.Arg1021Gln; replaces arginine 1021 with glutamine.
Molecular consequence: missense variant.
Genome position (GRCh38, 1-based): chr2:215,404,580, C>T on the plus strand (G>A on the coding strand, the complement: FN1 is on the minus strand). VCF-style: chr2-215404580-C-T. GRCh37 (hg19) VCF-style: chr2-216269303-C-T.
Other names: p.Arg1021Gln; c.3062G>A (NM_212482.2, NM_212482.3); c.3062G>A, p.Arg1021Gln (NM_001306129.2, NM_001306130.2, NM_001306131.2 and 13 more transcripts); short protein forms R1021Q.
Identifiers: ClinVar variation 1008946 (VCV001008946.10), dbSNP rs139603893, ClinGen allele CA2094806.